The following is an entry in ClinVar:

NM_001160372.4(TRAPPC9):c.3120C>T (p.Pro1040=)

Gene: TRAPPC9 (trafficking protein particle complex subunit 9; minus strand). Cytogenetic location: 8q24.3.
Variant type: single nucleotide variant.
Coding change: c.3120C>T on transcript NM_001160372.4 (MANE Select); coding-DNA position 3120, C replaced by T.
Protein change: p.Pro1040=; no amino-acid change (proline 1040 retained).
Molecular consequence: synonymous variant. On other transcripts: non-coding transcript variant (1).
Genome position (GRCh38, 1-based): chr8:139,732,138, G>A on the plus strand (C>T on the coding strand, the complement: TRAPPC9 is on the minus strand). VCF-style: chr8-139732138-G-A. GRCh37 (hg19) VCF-style: chr8-140744381-G-A.
Other names: c.3093C>T, p.Pro1031= (NM_001321646.2); c.3141C>T, p.Pro1047= (NM_001374682.1); c.3009C>T, p.Pro1003= (NM_001374683.1); c.2976C>T, p.Pro992= (NM_001374684.1); c.3120C>T, p.Pro1040= (NM_031466.8).
Identifiers: ClinVar variation 1903137 (VCV001903137.6), dbSNP rs769263868, ClinGen allele CA4892803.
Genomic context (GRCh38, chr8:139,732,138, plus strand): 5'-GAGGGCGAAGGGCCCTACGCTGCGCGGGCTCCGGTTGGTCAGCCGCACCTCCAGGCGCAC[G>A]GGGTCGCCCACCTGGCAGGCCGCCACAGCCTCGCGGTCACATGGCTGTCCGTCCACCAGC-3'
Protein context (NP_001153844.1, residues 1030-1050): EAVAACQVGD[Pro1040=]VRLEVRLTNR

ClinVar aggregate classification (germline): Likely benign. Review status: criteria provided, multiple submitters, no conflicts (2 of 4 stars). 2 submissions from 2 submitters: Likely benign (2). Last evaluated 2026-08-01.

Allele frequency attached by ClinVar (database versions not stated): ExAC 0.00004; gnomAD 0.00001; TOPMed 0.00001.
gnomAD v4.1: 12 of 1,605,190 alleles (0.00075%); highest among the groups gnomAD compares: Admixed American, 0.0067%; no homozygotes.

Submissions (2):

CeGaT Center for Human Genetics Tuebingen
Classification: Likely benign. Last evaluated: 2026-08-01. Review status: criteria provided, single submitter. Criteria: CeGaT Center For Human Genetics Tuebingen Variant Classification Criteria Version 2. Collection method: clinical testing. Allele origin: germline. Affected: yes. Observed: 1 variant allele.
Comment: TRAPPC9: BP4, BP7

Labcorp Genetics (formerly Invitae), Labcorp
Classification: Likely benign. Last evaluated: 2022-10-17. Review status: criteria provided, single submitter. Criteria: Invitae Variant Classification Sherloc (09022015). Collection method: clinical testing. Allele origin: germline.